The following is an entry in ClinVar:

ClinVar aggregate classification (germline): Likely benign (0 of 4 stars; one submission).

Conditions:
PLXNA4-related disorder. Also called: PLXNA4-related condition.

Allele frequency attached by ClinVar (database versions not stated): ESP Exome Variant Server 0.00008; gnomAD exomes 0.00014; ExAC 0.00015; gnomAD 0.00022; TOPMed 0.00024.
gnomAD v4.1: 242 of 1,613,732 alleles (0.015%); highest among the groups gnomAD compares: East Asian, 0.025%; no homozygotes.

Submission:

PreventionGenetics, part of Exact Sciences
Classification: Likely benign for PLXNA4-related condition. Last evaluated: 2021-07-01. Review status: no assertion criteria provided. Collection method: clinical testing. Allele origin: germline.
Comment: This variant is classified as likely benign based on ACMG/AMP sequence variant interpretation guidelines (Richards et al. 2015 PMID: 25741868, with internal and published modifications).

NM_020911.2(PLXNA4):c.2799C>T (p.Cys933=)

Gene: PLXNA4 (plexin A4; minus strand). Cytogenetic location: 7q32.3.
Variant type: single nucleotide variant.
Coding change: c.2799C>T on transcript NM_020911.2 (MANE Select); coding-DNA position 2799, C replaced by T.
Protein change: p.Cys933=; no amino-acid change (cysteine 933 retained).
Molecular consequence: synonymous variant.
Genome position (GRCh38, 1-based): chr7:132,194,119, G>A on the plus strand (C>T on the coding strand, the complement: PLXNA4 is on the minus strand). VCF-style: chr7-132194119-G-A. GRCh37 (hg19) VCF-style: chr7-131878878-G-A.
Other names: c.2799C>T, p.Cys933= (NM_001393897.1).
Identifiers: ClinVar variation 3054047 (VCV003054047.2), dbSNP rs200014828, ClinGen allele CA4489685.
Genomic context (GRCh38, chr7:132,194,119, plus strand): 5'-CACCATGAAGTAATAGAGCTGTGAGGACCGGGCCATGAATTCAGGCCGACACACAGCCAC[G>A]CAGATCTCCACGAAGCCTGCATGCTGGCTGGGCTTGGCCTCCCCCATCTCACACACGATC-3'
Protein context (NP_065962.1, residues 923-943): PSQHAGFVEI[Cys933=]VAVCRPEFMA